The following is an entry in ClinVar:

ClinVar aggregate classification (germline): Likely pathogenic (1 of 4 stars; one submission).

Conditions:
Early-infantile DEE. Also called: Early infantile epileptic encephalopathy; Ohtahara syndrome; Early infantile epileptic encephalopathy with suppression bursts. Identifiers: Orphanet 1934, MedGen C0393706, MONDO:0800491.

Submission:

Labcorp Genetics (formerly Invitae), Labcorp
Classification: Likely pathogenic for Early-infantile DEE. Last evaluated: 2026-01-06. Review status: criteria provided, single submitter. Criteria: Invitae Variant Classification Sherloc (09022015). Collection method: clinical testing. Allele origin: germline.
Comment: This sequence change replaces proline, which is neutral and non-polar, with serine, which is neutral and polar, at codon 1878 of the SCN8A protein (p.Pro1878Ser). This variant is not present in population databases (gnomAD no frequency). This missense change has been observed in individual(s) with neurodevelopemental disorders (PMID: 29655203). Invitae Evidence Modeling of protein sequence and biophysical properties (such as structural, functional, and spatial information, amino acid conservation, physicochemical variation, residue mobility, and thermodynamic stability) indicates that this missense variant is expected to disrupt SCN8A protein function with a positive predictive value of 95%. This variant disrupts the p.Pro1878 amino acid residue in SCN8A. Other variant(s) that disrupt this residue have been determined to be pathogenic (internal data). This suggests that this residue is clinically significant, and that variants that disrupt this residue are likely to be disease-causing. In summary, the currently available evidence indicates that the variant is pathogenic, but additional data are needed to prove that conclusively. Therefore, this variant has been classified as Likely Pathogenic.

Literature cited by the submitters: PubMed 29655203.

NM_001330260.2(SCN8A):c.5632C>T (p.Pro1878Ser)

Gene: SCN8A (sodium voltage-gated channel alpha subunit 8; plus strand). Cytogenetic location: 12q13.13.
Variant type: single nucleotide variant.
Coding change: c.5632C>T on transcript NM_001330260.2 (MANE Select); coding-DNA position 5632, C replaced by T.
Protein change: p.Pro1878Ser; replaces proline 1878 with serine.
Molecular consequence: missense variant.
Genome position (GRCh38, 1-based): chr12:51,807,118, C>T. VCF-style: chr12-51807118-C-T. GRCh37 (hg19) VCF-style: chr12-52200902-C-T.
Other names: c.5509C>T, p.Pro1837Ser (NM_001177984.3, NM_001369788.1); c.5632C>T, p.Pro1878Ser (NM_014191.4); short protein forms P1878S, P1837S.
Identifiers: ClinVar variation 4739097 (VCV004739097.1).